The following is an entry in ClinVar:

NM_001283009.2(RTEL1):c.2159C>T (p.Ala720Val)

Genes: RTEL1 (regulator of telomere elongation helicase 1; plus strand), RTEL1-TNFRSF6B (RTEL1-TNFRSF6B readthrough (NMD candidate); plus strand). Cytogenetic location: 20q13.33.
Variant type: single nucleotide variant.
Coding change: c.2159C>T on transcript NM_001283009.2 (MANE Select); coding-DNA position 2159, C replaced by T.
Protein change: p.Ala720Val; replaces alanine 720 with valine.
Molecular consequence: missense variant. On other transcripts: non-coding transcript variant (1).
Genome position (GRCh38, 1-based): chr20:63,690,104, C>T. VCF-style: chr20-63690104-C-T. GRCh37 (hg19) VCF-style: chr20-62321457-C-T.
Other names: c.1490C>T, p.Ala497Val (NM_001283010.1); c.2159C>T, p.Ala720Val (NM_016434.4); c.2231C>T, p.Ala744Val (NM_032957.5); short protein forms A744V, A497V, A720V.
Identifiers: ClinVar variation 1351344 (VCV001351344.8), dbSNP rs2145430644, ClinGen allele CA409679635.

ClinVar aggregate classification (germline): Uncertain significance (1 of 4 stars; one submission).

Conditions:
Dyskeratosis congenita, autosomal recessive 5 (DKCB5). Identifiers: MedGen C3554656, MONDO:0014076, OMIM 615190.
Pulmonary fibrosis and/or bone marrow failure, Telomere-related, 3. Also called: PULMONARY FIBROSIS AND/OR BONE MARROW FAILURE SYNDROME, TELOMERE-RELATED, 3. Identifiers: Orphanet 2032, MedGen C4225346, MONDO:0014613, OMIM 616373.

Submission:

Labcorp Genetics (formerly Invitae), Labcorp
Classification: Uncertain significance for Dyskeratosis congenita, autosomal recessive 5; Pulmonary fibrosis and/or bone marrow failure, Telomere-related, 3. Last evaluated: 2021-02-01. Review status: criteria provided, single submitter. Criteria: Invitae Variant Classification Sherloc (09022015). Collection method: clinical testing. Allele origin: germline.
Comment: This sequence change replaces alanine with valine at codon 720 of the RTEL1 protein (p.Ala720Val). The alanine residue is moderately conserved and there is a small physicochemical difference between alanine and valine. This variant is not present in population databases (ExAC no frequency). This variant has not been reported in the literature in individuals with RTEL1-related conditions. Algorithms developed to predict the effect of missense changes on protein structure and function (SIFT, PolyPhen-2, Align-GVGD) all suggest that this variant is likely to be tolerated, but these predictions have not been confirmed by published functional studies and their clinical significance is uncertain. Algorithms developed to predict the effect of sequence changes on RNA splicing suggest that this variant may create or strengthen a splice site, but this prediction has not been confirmed by published transcriptional studies. In summary, the available evidence is currently insufficient to determine the role of this variant in disease. Therefore, it has been classified as a Variant of Uncertain Significance.